The following is an entry in ClinVar:

NM_014290.3(TDRD7):c.1105T>G (p.Tyr369Asp)

Gene: TDRD7 (tudor domain containing 7; plus strand). Cytogenetic location: 9q22.33.
Variant type: single nucleotide variant.
Coding change: c.1105T>G on transcript NM_014290.3 (MANE Select); coding-DNA position 1105, T replaced by G.
Protein change: p.Tyr369Asp; replaces tyrosine 369 with aspartic acid.
Molecular consequence: missense variant.
Genome position (GRCh38, 1-based): chr9:97,460,427, T>G. VCF-style: chr9-97460427-T-G. GRCh37 (hg19) VCF-style: chr9-100222709-T-G.
Other names: c.883T>G, p.Tyr295Asp (NM_001302884.2); short protein forms Y295D, Y369D.
Identifiers: ClinVar variation 2413119 (VCV002413119.1), dbSNP rs747777898, ClinGen allele CA5146597.
Genomic context (GRCh38, chr9:97,460,427, plus strand): 5'-CTGGTGAAATACACAAGTGGCCTTTGGGCCAGTGCACTTCCGAAAGCATTTGAGGAAATG[T>G]ACAAAGTGAAATTCCCTGAGGATGCCTTAAAAAATCTTGCCTCACTTTCTGATGTATGCA-3'
Protein context (NP_055105.2, residues 359-379): SALPKAFEEM[Tyr369Asp]KVKFPEDALK

ClinVar aggregate classification (germline): Uncertain significance (1 of 4 stars; one submission).

Conditions:
Cataract 36. Identifiers: MedGen C3151304, MONDO:0013484, OMIM 613887.

Allele frequency attached by ClinVar (database versions not stated): gnomAD 0.00001.
gnomAD v4.1: 2 of 1,614,118 alleles (0.00012%); highest among the groups gnomAD compares: Non-Finnish European, 0.00017%; no homozygotes.

Submission:

Molecular Medicine, University of Pavia
Classification: Uncertain significance for Cataract 36. Last evaluated: 2023-01-01. Review status: criteria provided, single submitter. Criteria: ACMG Guidelines, 2015. Collection method: research. Allele origin: inherited. Affected: yes. Observed: 1 variant allele.
Comment: This variant was observed in compound heterozygosity with variant (NM_014290.3:c.2660delA)